The following is an entry in ClinVar:

ClinVar aggregate classification (germline): Pathogenic (1 of 4 stars; one submission).

Conditions:
Combined immunodeficiency due to STIM1 deficiency. Also called: STIM1 DEFICIENCY; IMMUNODEFICIENCY 10. Identifiers: Orphanet 169090, Orphanet 317430, MedGen C2748557, MONDO:0013008, OMIM 612783.
Stormorken syndrome (STRMK). Also called: THROMBOCYTOPATHY, ASPLENIA, AND MIOSIS. Identifiers: Orphanet 3204, MedGen C1861451, MONDO:0008497, OMIM 185070.
Myopathy with tubular aggregates (TAM). Also called: Tubular Aggregate Myopathy. Identifiers: Orphanet 2593, MedGen C0410207, MONDO:0008051.

Submission:

Labcorp Genetics (formerly Invitae), Labcorp
Classification: Pathogenic for Myopathy with tubular aggregates; Combined immunodeficiency due to STIM1 deficiency; Stormorken syndrome. Last evaluated: 2021-06-19. Review status: criteria provided, single submitter. Criteria: Invitae Variant Classification Sherloc (09022015). Collection method: clinical testing. Allele origin: germline.
Comment: This variant is a gross deletion of the genomic region encompassing exon(s) 2-12 of the STIM1 gene. The 5' boundary is likely confined to intron 1. The 3' end of this event is unknown as it extends through the termination codon beyond the assayed region for this gene and may encompass additional genes. While this deletion is not anticipated to lead to nonsense mediated decay, it is expected to alter mRNA translation or result in a truncated protein product. This variant has not been reported in the literature in individuals affected with STIM1-related conditions. This variant disrupts a region of the STIM1 protein in which other variant(s) (p.Ile484Argfs*21) have been determined to be pathogenic (PMID: 27066587). This suggests that this is a clinically significant region of the protein, and that variants that disrupt it are likely to be disease-causing. For these reasons, this variant has been classified as Pathogenic.

Literature cited by the submitters: PubMed 27066587.

NC_000011.9:g.(?_3988762)_(4113028_?)del

Gene: STIM1 (stromal interaction molecule 1; plus strand). Cytogenetic location: 11p15.4.
Variant type: Deletion.
Identifiers: ClinVar variation 1371047 (VCV001371047.5).